The following is an entry in ClinVar:

ClinVar aggregate classification (germline): Benign. Review status: criteria provided, multiple submitters, no conflicts (2 of 4 stars). 4 submissions from 4 submitters: Benign (4). Last evaluated 2026-02-03.

Conditions:
Congenital disorder of deglycosylation (CDDG). Identifiers: MedGen C3808991, MONDO:0031376.

Allele frequency attached by ClinVar (database versions not stated): gnomAD exomes 0.00039 and 0.00117; ExAC 0.00155; gnomAD 0.00511 and 0.00539; TOPMed 0.00569; 1000 Genomes Project 0.00599; ESP Exome Variant Server 0.00615; 1000 Genomes Project 30x 0.00625.
gnomAD v4.1: 1,380 of 1,613,970 alleles (0.086%); highest among the groups gnomAD compares: African/African-American, 1.6%; 10 homozygotes.

Submissions (4):

Labcorp Genetics (formerly Invitae), Labcorp
Classification: Benign for Congenital disorder of deglycosylation. Last evaluated: 2026-02-03. Review status: criteria provided, single submitter. Criteria: Invitae Variant Classification Sherloc (09022015). Collection method: clinical testing. Allele origin: germline.

Mayo Clinic Laboratories, Mayo Clinic
Classification: Benign. Last evaluated: 2024-12-30. Review status: criteria provided, single submitter. Criteria: ACMG Guidelines, 2015. Collection method: clinical testing. Allele origin: germline. Observed: 1 variant allele.
Comment: BA1, BP4, BP7

GeneDx
Classification: Benign. Last evaluated: 2018-05-18. Review status: criteria provided, single submitter. Criteria: GeneDx Variant Classification Process June 2021. Collection method: clinical testing. Allele origin: germline. Affected: yes.

Breakthrough Genomics
Classification: Benign. Review status: criteria provided, single submitter. Criteria: ACMG Guidelines, 2015. Collection method: not provided. Allele origin: germline. Inheritance: Autosomal recessive inheritance. Affected: yes.

NM_018297.4(NGLY1):c.1869T>C (p.Gly623=)

Gene: NGLY1 (N-glycanase 1; minus strand). Cytogenetic location: 3p24.2.
Variant type: single nucleotide variant.
Coding change: c.1869T>C on transcript NM_018297.4 (MANE Select); coding-DNA position 1869, T replaced by C.
Protein change: p.Gly623=; no amino-acid change (glycine 623 retained).
Molecular consequence: synonymous variant. On other transcripts: 3 prime UTR variant (1).
Genome position (GRCh38, 1-based): chr3:25,719,556, A>G on the plus strand (T>C on the coding strand, the complement: NGLY1 is on the minus strand). VCF-style: chr3-25719556-A-G. GRCh37 (hg19) VCF-style: chr3-25761047-A-G.
Other names: p.Gly623=; c.1815T>C, p.Gly605= (NM_001145293.2); c.1743T>C, p.Gly581= (NM_001145294.2); c.*14T>C (NM_001145295.2).
Identifiers: ClinVar variation 385013 (VCV000385013.16), dbSNP rs73155397, ClinGen allele CA2289042.